The following is an entry in ClinVar:

ClinVar aggregate classification (germline): Uncertain significance. Review status: criteria provided, multiple submitters, no conflicts (2 of 4 stars). 2 submissions from 2 submitters: Uncertain significance (2). Last evaluated 2026-07-12.

Conditions:
PLXNA2-related disorder. Also called: PLXNA2-related condition.

Allele frequency attached by ClinVar (database versions not stated): gnomAD exomes 0.00002 and 0.00004; ExAC 0.00006; ESP Exome Variant Server 0.00008; TOPMed 0.00014; 1000 Genomes Project 30x 0.00016; gnomAD 0.00017 and 0.00019.
gnomAD v4.1: 66 of 1,614,126 alleles (0.0041%); highest among the groups gnomAD compares: African/African-American, 0.052%; no homozygotes.

Submissions (2):

PreventionGenetics, part of Exact Sciences
Classification: Uncertain significance for PLXNA2-related condition. Last evaluated: 2026-07-12. Review status: criteria provided, single submitter. Criteria: ACMG Guidelines, 2015. Collection method: clinical testing. Allele origin: germline.
Comment: The PLXNA2 c.3580G>A variant is predicted to result in the amino acid substitution p.Val1194Ile. To our knowledge, this variant has not been reported in the literature. This variant is reported in 0.056% of alleles in individuals of African descent in gnomAD, which may be too frequent to be a primary cause of disease. Although we suspect that this variant may be benign, at this time, the clinical significance of this variant is uncertain due to the absence of conclusive functional and genetic evidence.

Labcorp Genetics (formerly Invitae), Labcorp
Classification: Uncertain significance. Last evaluated: 2024-03-21. Review status: criteria provided, single submitter. Criteria: Invitae Variant Classification Sherloc (09022015). Collection method: clinical testing. Allele origin: germline.
Comment: This sequence change replaces valine, which is neutral and non-polar, with isoleucine, which is neutral and non-polar, at codon 1194 of the PLXNA2 protein (p.Val1194Ile). This variant is present in population databases (rs371818683, gnomAD 0.05%). This variant has not been reported in the literature in individuals affected with PLXNA2-related conditions. ClinVar contains an entry for this variant (Variation ID: 1052897). Advanced modeling of protein sequence and biophysical properties (such as structural, functional, and spatial information, amino acid conservation, physicochemical variation, residue mobility, and thermodynamic stability) performed at Invitae indicates that this missense variant is not expected to disrupt PLXNA2 protein function with a negative predictive value of 80%. In summary, the available evidence is currently insufficient to determine the role of this variant in disease. Therefore, it has been classified as a Variant of Uncertain Significance.

NM_025179.4(PLXNA2):c.3580G>A (p.Val1194Ile)

Gene: PLXNA2 (plexin A2; minus strand). Cytogenetic location: 1q32.2.
Variant type: single nucleotide variant.
Coding change: c.3580G>A on transcript NM_025179.4 (MANE Select); coding-DNA position 3580, G replaced by A.
Protein change: p.Val1194Ile; replaces valine 1194 with isoleucine.
Molecular consequence: missense variant.
Genome position (GRCh38, 1-based): chr1:208,045,126, C>T on the plus strand (G>A on the coding strand, the complement: PLXNA2 is on the minus strand). VCF-style: chr1-208045126-C-T. GRCh37 (hg19) VCF-style: chr1-208218471-C-T.
Other names: c.3580G>A (NM_025179.3); short protein forms V1194I.
Identifiers: ClinVar variation 1052897 (VCV001052897.12), dbSNP rs371818683, ClinGen allele CA1373151.